The following is an entry in ClinVar:

NM_004998.4(MYO1E):c.1946G>A (p.Gly649Glu)

Gene: MYO1E (myosin IE; minus strand). Cytogenetic location: 15q22.2.
Variant type: single nucleotide variant.
Coding change: c.1946G>A on transcript NM_004998.4 (MANE Select); coding-DNA position 1946, G replaced by A.
Protein change: p.Gly649Glu; replaces glycine 649 with glutamic acid.
Molecular consequence: missense variant.
Genome position (GRCh38, 1-based): chr15:59,178,496, C>T on the plus strand (G>A on the coding strand, the complement: MYO1E is on the minus strand). VCF-style: chr15-59178496-C-T. GRCh37 (hg19) VCF-style: chr15-59470695-C-T.
Other names: short protein forms G649E.
Identifiers: ClinVar variation 3061884 (VCV003061884.1), dbSNP rs2542033203, ClinGen allele CA392640220.
Genomic context (GRCh38, chr15:59,178,496, plus strand): 5'-AACTGGTCGCTGTCCATGTTGACCGACTGCAGCAGGTGCAGGACGCCTTGCTTCTCCTCT[C>T]CCTGCCAAGAAGGCCAGGTGGCTTTGGTCAGAATGGCATACCTGTGGGGACATTGGGGAG-3'
Protein context (NP_004989.2, residues 639-659): LTKATWPSWQ[Gly649Glu]EEKQGVLHLL

ClinVar aggregate classification (germline): Uncertain significance (1 of 4 stars; one submission).

Conditions:
Focal segmental glomerulosclerosis 6 (FSGS6). Identifiers: Orphanet 656, MedGen C3279905, MONDO:0013589, OMIM 614131.

Submission:

MVZ Medizinische Genetik Mainz
Classification: Uncertain significance for Focal segmental glomerulosclerosis 6. Last evaluated: 2022-01-21. Review status: criteria provided, single submitter. Criteria: UK Practice Guidelines For Variant Classification V4 01 2020. Collection method: clinical testing. Allele origin: germline. Inheritance: Autosomal recessive inheritance. Affected: yes. Observed: 1 variant allele.
Comment: PM2_SUP, PP3, PP4 (ACMG Version 3)